The following is an entry in ClinVar:

NM_001377458.1(CLCC1):c.478A>G (p.Ile160Val)

Gene: CLCC1 (chloride channel CLIC like 1; minus strand). Cytogenetic location: 1p13.3.
Variant type: single nucleotide variant.
Coding change: c.478A>G on transcript NM_001377458.1 (MANE Select); coding-DNA position 478, A replaced by G.
Protein change: p.Ile160Val; replaces isoleucine 160 with valine.
Molecular consequence: missense variant. On other transcripts: non-coding transcript variant (1), intron variant (3).
Genome position (GRCh38, 1-based): chr1:108,943,919, T>C on the plus strand (A>G on the coding strand, the complement: CLCC1 is on the minus strand). VCF-style: chr1-108943919-T-C. GRCh37 (hg19) VCF-style: chr1-109486541-T-C.
Other names: c.478A>G, p.Ile160Val (NM_001048210.3, NM_001377459.1, NM_001377460.1 and 8 more transcripts); c.376A>G, p.Ile126Val (NM_001377469.1); c.187A>G, p.Ile63Val (NM_001377470.1); c.340-12A>G (NM_015127.5); c.340-2421A>G (NM_001278202.2); c.339+3692A>G (NM_001278203.1); short protein forms I126V, I160V, I63V.
Identifiers: ClinVar variation 1022566 (VCV001022566.5), dbSNP rs141270237, ClinGen allele CA341463863.

ClinVar aggregate classification (germline): Uncertain significance (1 of 4 stars; one submission).

Submission:

Labcorp Genetics (formerly Invitae), Labcorp
Classification: Uncertain significance. Last evaluated: 2022-08-31. Review status: criteria provided, single submitter. Criteria: Invitae Variant Classification Sherloc (09022015). Collection method: clinical testing. Allele origin: germline.
Comment: In summary, the available evidence is currently insufficient to determine the role of this variant in disease. Therefore, it has been classified as a Variant of Uncertain Significance. This variant is not present in population databases (gnomAD no frequency). This variant has not been reported in the literature in individuals affected with CLCC1-related conditions. ClinVar contains an entry for this variant (Variation ID: 1022566). Algorithms developed to predict the effect of missense changes on protein structure and function (SIFT, PolyPhen-2, Align-GVGD) all suggest that this variant is likely to be tolerated. Algorithms developed to predict the effect of sequence changes on RNA splicing suggest that this variant may disrupt the consensus splice site. This sequence change replaces isoleucine, which is neutral and non-polar, with valine, which is neutral and non-polar, at codon 160 of the CLCC1 protein (p.Ile160Val).